The following is an entry in ClinVar:

NM_000384.3(APOB):c.13101del (p.Gln4368fs)

Gene: APOB (apolipoprotein B; minus strand). Cytogenetic location: 2p24.1.
Variant type: Deletion.
Coding change: c.13101del on transcript NM_000384.3 (MANE Select); coding-DNA position 13101, one base deleted (T; older notation c.13101delT).
Protein change: p.Gln4368fs; shifts the reading frame from glutamine 4368.
Molecular consequence: frameshift variant.
Genome position (GRCh38, 1-based): chr2:21,002,321, A deleted on the plus strand (T on the coding strand, the reverse complement: APOB is on the minus strand); the first of 2 consecutive A bases (chr2:21,002,321-21,002,322); deleting either gives the same sequence. VCF-style (leftmost placement, unchanged base first): chr2-21002320-GA-G. GRCh37 (hg19) VCF-style: chr2-21225192-GA-G.
Other names: c.13101delT (NM_000384.2); short protein forms Q4368fs.
Identifiers: ClinVar variation 653899 (VCV000653899.11), dbSNP rs1558558718, ClinGen allele CA531312716.

ClinVar aggregate classification (germline): Uncertain significance (1 of 4 stars; one submission).

Conditions:
Familial hypobetalipoproteinemia 1. Also called: Hypobetalipoproteinemia, normotriglyceridemic; Acanthocytosis with hypobetalipoproteinemia; APOB-Related Familial Hypobetalipoproteinemia. Identifiers: MedGen C4551990, MONDO:0014252, OMIM 615558.
Hypercholesterolemia, autosomal dominant, type B (FHCL2). Also called: Familial Hypercholesterolemia Type B; APOLIPOPROTEIN B-100, FAMILIAL DEFECTIVE; APOLIPOPROTEIN B-100, FAMILIAL LIGAND-DEFECTIVE; HYPERCHOLESTEROLEMIA, FAMILIAL, DUE TO LIGAND-DEFECTIVE APOLIPOPROTEIN B; Familial hypercholesterolemia 2; APOB-Related Familial Hypercholesterolemia, Autosomal Dominant. Identifiers: MedGen C1704417, MONDO:0007751, OMIM 144010.

Submission:

Labcorp Genetics (formerly Invitae), Labcorp
Classification: Uncertain significance for Familial hypobetalipoproteinemia 1; Hypercholesterolemia, autosomal dominant, type B. Last evaluated: 2026-02-03. Review status: criteria provided, single submitter. Criteria: Invitae Variant Classification Sherloc (09022015). Collection method: clinical testing. Allele origin: germline.
Comment: This sequence change creates a premature translational stop signal (p.Gln4368Argfs*26) in the APOB gene. While this is not anticipated to result in nonsense mediated decay, it is expected to disrupt the last 196 amino acid(s) of the APOB protein. This variant is present in population databases (no rsID available, gnomAD 0.01%). This variant has not been reported in the literature in individuals affected with APOB-related conditions. ClinVar contains an entry for this variant (Variation ID: 653899). Experimental studies and prediction algorithms are not available or were not evaluated, and the functional significance of this variant is currently unknown. In summary, the available evidence is currently insufficient to determine the role of this variant in disease. Therefore, it has been classified as a Variant of Uncertain Significance.